The following is an entry in ClinVar:

ClinVar aggregate classification (germline): Uncertain significance (1 of 4 stars; one submission).

Submission:

Labcorp Genetics (formerly Invitae), Labcorp
Classification: Uncertain significance. Last evaluated: 2022-08-16. Review status: criteria provided, single submitter. Criteria: Invitae Variant Classification Sherloc (09022015). Collection method: clinical testing. Allele origin: germline.
Comment: This sequence change falls in intron 1 of the ABHD12 gene. It does not directly change the encoded amino acid sequence of the ABHD12 protein. It affects a nucleotide within the consensus splice site. This variant is not present in population databases (gnomAD no frequency). This variant has not been reported in the literature in individuals affected with ABHD12-related conditions. ClinVar contains an entry for this variant (Variation ID: 1497537). Variants that disrupt the consensus splice site are a relatively common cause of aberrant splicing (PMID: 17576681, 9536098). Algorithms developed to predict the effect of sequence changes on RNA splicing suggest that this variant is not likely to affect RNA splicing. In summary, the available evidence is currently insufficient to determine the role of this variant in disease. Therefore, it has been classified as a Variant of Uncertain Significance.

Literature cited by the submitters: PubMed 17576681; PubMed 9536098.

NM_001042472.3(ABHD12):c.191+6G>A

Gene: ABHD12 (abhydrolase domain containing 12, lysophospholipase; minus strand). Cytogenetic location: 20p11.21.
Variant type: single nucleotide variant.
Coding change: c.191+6G>A on transcript NM_001042472.3 (MANE Select); 6 bases into the intron after coding-DNA position 191, G replaced by A.
Molecular consequence: intron variant.
Genome position (GRCh38, 1-based): chr20:25,390,507, C>T on the plus strand (G>A on the coding strand, the complement: ABHD12 is on the minus strand). VCF-style: chr20-25390507-C-T. GRCh37 (hg19) VCF-style: chr20-25371143-C-T.
Other names: c.191+6G>A (NM_015600.5).
Identifiers: ClinVar variation 1497537 (VCV001497537.6), dbSNP rs775690672, ClinGen allele CA1016390505.